The following is an entry in ClinVar:

NM_001379029.1(CERT1):c.-155G>A

Genes: CERT1 (ceramide transporter 1; minus strand), POLK (DNA polymerase kappa; plus strand). Cytogenetic location: 5q13.3.
Variant type: single nucleotide variant.
Coding change: c.-155G>A on transcript NM_001379029.1 (MANE Select); 155 bases upstream of the start codon, G replaced by A.
Molecular consequence: 5 prime UTR variant. On other transcripts: missense variant (1).
Genome position (GRCh38, 1-based): chr5:75,511,362, C>T on the plus strand (G>A on the coding strand, the complement: CERT1 is on the minus strand). VCF-style: chr5-75511362-C-T. GRCh37 (hg19) VCF-style: chr5-74807187-C-T.
Other names: c.230G>A, p.Gly77Asp (NM_001130105.1); c.-155G>A (NM_001379002.1, NM_001379003.1, NM_001379004.1 and 2 more transcripts); short protein forms G77D.
Identifiers: ClinVar variation 2655542 (VCV002655542.24), dbSNP rs2479445462, ClinGen allele CA360140432.
Genomic context (GRCh38, chr5:75,511,362, plus strand): 5'-GAAGCGAAGAGTGCCCGCTCCGGTGTGGGGGGGAGCAGGAGGAGGGACGAAGTCCGCCCG[C>T]CGCGCCGCCGCCGCGCCTGACACCGAGCGGAGCGAGGAAGGAGGACGAGCGGTGAAGGAA-3'

ClinVar aggregate classification (germline): Uncertain significance (1 of 4 stars; one submission).

Submission:

CeGaT Center for Human Genetics Tuebingen
Classification: Uncertain significance. Last evaluated: 2022-11-01. Review status: criteria provided, single submitter. Criteria: CeGaT Center For Human Genetics Tuebingen Variant Classification Criteria Version 2. Collection method: clinical testing. Allele origin: germline. Affected: yes. Observed: 1 variant allele.
Comment: CERT1: PM2